The following is an entry in ClinVar:

NM_001364905.1(LRBA):c.5921+1G>A

Gene: LRBA (LPS responsive beige-like anchor protein; minus strand). Cytogenetic location: 4q31.3.
Variant type: single nucleotide variant.
Coding change: c.5921+1G>A on transcript NM_001364905.1 (MANE Select); the canonical splice donor site of the intron after coding-DNA position 5921, G replaced by A.
Molecular consequence: splice donor variant.
Genome position (GRCh38, 1-based): chr4:150,683,550, C>T on the plus strand (G>A on the coding strand, the complement: LRBA is on the minus strand). VCF-style: chr4-150683550-C-T. GRCh37 (hg19) VCF-style: chr4-151604702-C-T.
Other names: c.5921+1G>A (NM_001367550.1, NM_006726.5, NM_001199282.3 and 2 more transcripts).
Identifiers: ClinVar variation 2585360 (VCV002585360.1), dbSNP rs2547164192, ClinGen allele CA358610038.

ClinVar aggregate classification (germline): Likely pathogenic (1 of 4 stars; one submission).

Conditions:
Combined immunodeficiency due to LRBA deficiency. Also called: Common variable immunodeficiency 8, with autoimmunity. Identifiers: Orphanet 445018, MedGen C3553512, MONDO:0013863, OMIM 614700.

Submission:

Neuberg Centre For Genomic Medicine, NCGM
Classification: Likely pathogenic for Combined immunodeficiency due to LRBA deficiency. Review status: criteria provided, single submitter. Criteria: ACMG Guidelines, 2015. Collection method: clinical testing. Allele origin: germline. Inheritance: Autosomal recessive inheritance. Affected: yes.
Comment: The splice donor variant c.5921+1G>A in LRBA gene has not been reported previously as a pathogenic variant nor as a benign variant, to our knowledge. The variant is novel (not in any individuals) in gnomAD Exomes and 1000 Genomes. Null variant (within ±2 of splice site), in gene LRBA for which loss-of-function is a known mechanism of disease. The nucleotide change in LRBA is predicted as conserved by GERP++ and PhyloP across 100 vertebrates. For these reasons, this variant has been classified as Likely Pathogenic. The above variant is present in heterozygous state and hence the molecular diagnosis is not confirmed.